The following is an entry in ClinVar:

ClinVar aggregate classification (germline): Uncertain significance (1 of 4 stars; one submission).

Allele frequency attached by ClinVar (database versions not stated): TOPMed 0.00001; gnomAD 0.00004; gnomAD exomes 0.00019; ExAC 0.00022.
gnomAD v4.1: 148 of 1,613,858 alleles (0.0092%); highest among the groups gnomAD compares: South Asian, 0.15%; 2 homozygotes.

Submission:

Labcorp Genetics (formerly Invitae), Labcorp
Classification: Uncertain significance. Last evaluated: 2024-04-05. Review status: criteria provided, single submitter. Criteria: Invitae Variant Classification Sherloc (09022015). Collection method: clinical testing. Allele origin: germline.
Comment: This sequence change replaces alanine, which is neutral and non-polar, with aspartic acid, which is acidic and polar, at codon 2085 of the PCLO protein (p.Ala2085Asp). This variant is present in population databases (rs759950263, gnomAD 0.2%). This variant has not been reported in the literature in individuals affected with PCLO-related conditions. ClinVar contains an entry for this variant (Variation ID: 1353136). Experimental studies and prediction algorithms are not available or were not evaluated, and the functional significance of this variant is currently unknown. In summary, the available evidence is currently insufficient to determine the role of this variant in disease. Therefore, it has been classified as a Variant of Uncertain Significance.

NM_033026.6(PCLO):c.6254C>A (p.Ala2085Asp)

Gene: PCLO (piccolo presynaptic cytomatrix protein; minus strand). Cytogenetic location: 7q21.11.
Variant type: single nucleotide variant.
Coding change: c.6254C>A on transcript NM_033026.6 (MANE Select); coding-DNA position 6254, C replaced by A.
Protein change: p.Ala2085Asp; replaces alanine 2085 with aspartic acid.
Molecular consequence: missense variant.
Genome position (GRCh38, 1-based): chr7:82,954,699, G>T on the plus strand (C>A on the coding strand, the complement: PCLO is on the minus strand). VCF-style: chr7-82954699-G-T. GRCh37 (hg19) VCF-style: chr7-82584015-G-T.
Other names: c.6254C>A, p.Ala2085Asp (NM_014510.3); short protein forms A2085D.
Identifiers: ClinVar variation 1353136 (VCV001353136.5), dbSNP rs759950263, ClinGen allele CA4320505.
Genomic context (GRCh38, chr7:82,954,699, plus strand): 5'-GAGGCATCTGGCATTCTGTCAAAGTCCATGGTGGACTCTGTCATATCCTCACCAATGGGG[G>T]CCTGGGTTGGGCTAGATCCAGGTGTTAATTGCATCTGTTGCCTCTTCATAAGTTCTTCAT-3'
Protein context (NP_149015.2, residues 2075-2095): QLTPGSSPTQ[Ala2085Asp]PIGEDMTEST